The following is an entry in ClinVar:

NM_000428.3(LTBP2):c.2752A>G (p.Thr918Ala)

Gene: LTBP2 (latent transforming growth factor beta binding protein 2; minus strand). Cytogenetic location: 14q24.3.
Variant type: single nucleotide variant.
Coding change: c.2752A>G on transcript NM_000428.3 (MANE Select); coding-DNA position 2752, A replaced by G.
Protein change: p.Thr918Ala; replaces threonine 918 with alanine.
Molecular consequence: missense variant.
Genome position (GRCh38, 1-based): chr14:74,521,947, T>C on the plus strand (A>G on the coding strand, the complement: LTBP2 is on the minus strand). VCF-style: chr14-74521947-T-C. GRCh37 (hg19) VCF-style: chr14-74988650-T-C.
Other names: short protein forms T918A.
Identifiers: ClinVar variation 2068998 (VCV002068998.4), dbSNP rs774162019, ClinGen allele CA7269399.

ClinVar aggregate classification (germline): Uncertain significance (1 of 4 stars; one submission).

Allele frequency attached by ClinVar (database versions not stated): ExAC 0.00001; gnomAD 0.00003.
gnomAD v4.1: 4 of 1,613,768 alleles (0.00025%); highest among the groups gnomAD compares: African/African-American, 0.004%; no homozygotes.

Submission:

Labcorp Genetics (formerly Invitae), Labcorp
Classification: Uncertain significance. Last evaluated: 2022-05-03. Review status: criteria provided, single submitter. Criteria: Invitae Variant Classification Sherloc (09022015). Collection method: clinical testing. Allele origin: germline.
Comment: In summary, the available evidence is currently insufficient to determine the role of this variant in disease. Therefore, it has been classified as a Variant of Uncertain Significance. Algorithms developed to predict the effect of missense changes on protein structure and function are either unavailable or do not agree on the potential impact of this missense change (SIFT: "Deleterious"; PolyPhen-2: "Benign"; Align-GVGD: "Class C0"). This variant has not been reported in the literature in individuals affected with LTBP2-related conditions. This variant is present in population databases (rs774162019, gnomAD no frequency). This sequence change replaces threonine, which is neutral and polar, with alanine, which is neutral and non-polar, at codon 918 of the LTBP2 protein (p.Thr918Ala).